The following is an entry in ClinVar:

NM_000168.6(GLI3):c.758A>G (p.Asp253Gly)

Gene: GLI3 (GLI family zinc finger 3; minus strand). Cytogenetic location: 7p14.1.
Variant type: single nucleotide variant.
Coding change: c.758A>G on transcript NM_000168.6 (MANE Select); coding-DNA position 758, A replaced by G.
Protein change: p.Asp253Gly; replaces aspartic acid 253 with glycine.
Molecular consequence: missense variant.
Genome position (GRCh38, 1-based): chr7:42,045,452, T>C on the plus strand (A>G on the coding strand, the complement: GLI3 is on the minus strand). VCF-style: chr7-42045452-T-C. GRCh37 (hg19) VCF-style: chr7-42085051-T-C.
Other names: short protein forms D253G.
Identifiers: ClinVar variation 1172546 (VCV001172546.1), dbSNP rs2128741235, ClinGen allele CA367331071.

ClinVar aggregate classification (germline): Uncertain significance (1 of 4 stars; one submission).

Conditions:
Polydactyly, postaxial, type A1. Identifiers: MedGen C4282400, MONDO:0008266, OMIM 174200.

Submission:

HudsonAlpha Institute for Biotechnology
Classification: Uncertain significance for Polydactyly, postaxial, type A1. Last evaluated: 2021-05-10. Review status: criteria provided, single submitter. Criteria: ACMG Guidelines, 2015. Collection method: research. Allele origin: inherited. Observed: 1 variant allele. Study: CSER-SouthSeq.
Comment: ACMG codes:PM2